The following is an entry in ClinVar:

ClinVar aggregate classification (germline): Likely pathogenic (1 of 4 stars; one submission).

Conditions:
Usher syndrome type 1 (USH1). Also called: RETINITIS PIGMENTOSA AND CONGENITAL DEAFNESS. Identifiers: Orphanet 231169, Orphanet 886, MedGen C1568247, MONDO:0010168, OMIM 276900.

Submission:

Natera, Inc.
Classification: Likely pathogenic for Usher syndrome type 1. Last evaluated: 2024-11-01. Review status: criteria provided, single submitter. Criteria: Natera Variant Classification Schema (03/2026). Collection method: clinical testing. Allele origin: germline.
Comment: The c.4254_4259delinsGAATGACAAC variant in CDH23 is a frameshift variant predicted to shift the reading frame beginning at codon 1418 and leads to a stop codon 31 codons downstream. This variant is expected to result in nonsense mediated decay, truncation, or a dysfunctional protein product. This variant is rare in the general population with a frequency below the threshold expected for the associated phenotype(s). Given the available evidence, this variant is classified as Likely Pathogenic.

NM_022124.6(CDH23):c.4254_4259delinsGAATGACAAC (p.Phe1418fs)

Gene: CDH23 (cadherin related 23; plus strand). Cytogenetic location: 10q22.1.
Variant type: Indel.
Coding change: c.4254_4259delinsGAATGACAAC on transcript NM_022124.6 (MANE Select); coding-DNA positions 4254 to 4259, TGACTT replaced by GAATGACAAC.
Protein change: p.Phe1418fs; shifts the reading frame from phenylalanine 1418.
Molecular consequence: frameshift variant.
Genome position (GRCh38, 1-based): chr10:71,738,542-71,738,547, TGACTT replaced by GAATGACAAC. VCF-style: chr10-71738542-TGACTT-GAATGACAAC. GRCh37 (hg19) VCF-style: chr10-73498299-TGACTT-GAATGACAAC.
Other names: short protein forms F1418fs.
Identifiers: ClinVar variation 4816079 (VCV004816079.1).